The following is an entry in ClinVar:

ClinVar aggregate classification (germline): Uncertain significance (1 of 4 stars; one submission).

gnomAD v4.1: 2 of 1,444,754 alleles (0.00014%); highest among the groups gnomAD compares: Admixed American, 0.0057%; no homozygotes.

Submission:

Women's Health and Genetics/Laboratory Corporation of America, LabCorp
Classification: Uncertain significance. Last evaluated: 2026-04-22. Review status: criteria provided, single submitter. Criteria: LabCorp Variant Classification Summary - May 2015. Collection method: clinical testing. Allele origin: germline.
Comment: Variant summary: KCNQ5 c.173T>G (p.Leu58Arg) results in a non-conservative amino acid change in the encoded protein sequence. Algorithms developed to predict the effect of missense changes on protein structure and function all suggest that this variant is likely to be disruptive. The variant allele was found at a frequency of 1.6e-05 in 61198 control chromosomes. The available data on variant occurrences in the general population are insufficient to allow any conclusion about variant significance. To our knowledge, no occurrence of c.173T>G in individuals affected with KCNQ5-related conditions and no experimental evidence demonstrating its impact on protein function have been reported. No submitters have cited clinical-significance assessments for this variant to ClinVar. Based on the evidence outlined above, the variant was classified as uncertain significance.

NM_019842.4(KCNQ5):c.173T>G (p.Leu58Arg)

Genes: KCNQ5 (potassium voltage-gated channel subfamily Q member 5; plus strand), KCNQ5-DT (KCNQ5 divergent transcript; minus strand). Cytogenetic location: 6q13.
Variant type: single nucleotide variant.
Coding change: c.173T>G on transcript NM_019842.4 (MANE Select); coding-DNA position 173, T replaced by G.
Protein change: p.Leu58Arg; replaces leucine 58 with arginine.
Molecular consequence: missense variant.
Genome position (GRCh38, 1-based): chr6:72,622,362, T>G. VCF-style: chr6-72622362-T-G. GRCh37 (hg19) VCF-style: chr6-73332090-T-G.
Other names: c.173T>G, p.Leu58Arg (NM_001160130.2, NM_001160132.2, NM_001160133.2 and 1 more transcripts); short protein forms L58R.
Identifiers: ClinVar variation 4849172 (VCV004849172.1).